The following is an entry in ClinVar:

NM_000709.4(BCKDHA):c.889C>T (p.Arg297Cys)

Gene: BCKDHA (branched chain keto acid dehydrogenase E1 subunit alpha; plus strand). Cytogenetic location: 19q13.2.
Variant type: single nucleotide variant.
Coding change: c.889C>T on transcript NM_000709.4 (MANE Select); coding-DNA position 889, C replaced by T.
Protein change: p.Arg297Cys; replaces arginine 297 with cysteine.
Molecular consequence: missense variant.
Genome position (GRCh38, 1-based): chr19:41,422,664, C>T. VCF-style: chr19-41422664-C-T. GRCh37 (hg19) VCF-style: chr19-41928569-C-T.
Other names: c.886C>T, p.Arg296Cys (NM_001164783.2); short protein forms R297C, R296C.
Identifiers: ClinVar variation 555477 (VCV000555477.18), dbSNP rs145901144, ClinGen allele CA9461294.

ClinVar aggregate classification (germline): Conflicting classifications of pathogenicity. Review status: criteria provided, conflicting classifications (1 of 4 stars). 7 submissions from 7 submitters: Pathogenic (1); Likely pathogenic (3); Uncertain significance (2). 1 of the submissions does not count toward it. Last evaluated 2025-10-13.

Conditions:
Maple syrup urine disease (MSUD). Identifiers: Orphanet 511, MedGen C0024776, MeSH D008375, MONDO:0009563. Disease mechanism: loss of function.
Maple syrup urine disease type 1A (MSUD1A). Also called: MSUD type 1A. Identifiers: MedGen C1855369, MONDO:0023691, OMIM 248600.

Allele frequency attached by ClinVar (database versions not stated): gnomAD exomes 0.00001 and 0.00002; gnomAD 0.00002; TOPMed 0.00002; ExAC 0.00003; ESP Exome Variant Server 0.00023.
gnomAD v4.1: 23 of 1,614,032 alleles (0.0014%); highest among the groups gnomAD compares: Middle Eastern, 0.016%; no homozygotes.

Submissions (7):

Labcorp Genetics (formerly Invitae), Labcorp
Classification: Pathogenic for Maple syrup urine disease. Last evaluated: 2025-10-13. Review status: criteria provided, single submitter. Criteria: Invitae Variant Classification Sherloc (09022015). Collection method: clinical testing. Allele origin: germline.
Comment: This sequence change replaces arginine, which is basic and polar, with cysteine, which is neutral and slightly polar, at codon 297 of the BCKDHA protein (p.Arg297Cys). This variant is present in population databases (rs145901144, gnomAD 0.007%). This missense change has been observed in individuals with maple syrup urine disease (PMID: 16786533, 28830848). ClinVar contains an entry for this variant (Variation ID: 555477). Invitae Evidence Modeling of protein sequence and biophysical properties (such as structural, functional, and spatial information, amino acid conservation, physicochemical variation, residue mobility, and thermodynamic stability) indicates that this missense variant is expected to disrupt BCKDHA protein function with a positive predictive value of 95%. This variant disrupts the p.Arg297 amino acid residue in BCKDHA. Other variant(s) that disrupt this residue have been determined to be pathogenic (PMID: 10745006, 17922217, 29306928). This suggests that this residue is clinically significant, and that variants that disrupt this residue are likely to be disease-causing. For these reasons, this variant has been classified as Pathogenic.

Myriad Genetics, Inc.
Classification: Uncertain significance for Maple syrup urine disease type 1A. Last evaluated: 2025-08-01. Review status: criteria provided, single submitter. Criteria: Myriad Autosomal Dominant, Autosomal Recessive and X-Linked Classification Criteria (2023). Collection method: clinical testing. Allele origin: unknown.
Comment: NM_000709.3(BCKDHA):c.889C>T(R297C) is a missense variant classified as a variant of uncertain significance in the context of maple syrup urine disease type Ia. R297C has been observed in cases with relevant disease (PMID: 28830848, 16786533). Relevant functional assessments of this variant are not available in the literature. Internal structural analysis of the variant is supportive of pathogenicity. R297C has been observed in referenced population frequency databases. In summary, there is insufficient evidence to classify NM_000709.3(BCKDHA):c.889C>T(R297C) as pathogenic or benign. Please note: this variant was assessed in the context of healthy population screening.

Natera, Inc.
Classification: Likely pathogenic for Maple syrup urine disease type 1A. Last evaluated: 2025-03-21. Review status: criteria provided, single submitter. Criteria: Natera Variant Classification Schema (03/2026). Collection method: clinical testing. Allele origin: germline.
Comment: The c.889C>T variant in BCKDHA is a missense variant predicted to cause substitution of arginine to cysteine at amino acid 297. This variant is rare in the general population with a frequency below the threshold expected for the associated phenotype(s). This variant has been observed in one or more individuals affected with the associated recessive disease, as either homozygous or compound heterozygous with a second variant (PMID: 28830848). A different variant at the same position has been determined to be Pathogenic or Likely Pathogenic. Computational prediction algorithms indicate this variant is likely to affect gene or protein function. Given the available evidence, this variant is classified as Likely Pathogenic.

Baylor Genetics
Classification: Likely pathogenic for Maple syrup urine disease type 1A. Last evaluated: 2024-03-19. Review status: criteria provided, single submitter. Criteria: ACMG Guidelines, 2015. Collection method: clinical testing. Allele origin: unknown.

Women's Health and Genetics/Laboratory Corporation of America, LabCorp
Classification: Uncertain significance. Last evaluated: 2023-07-05. Review status: criteria provided, single submitter. Criteria: LabCorp Variant Classification Summary - May 2015. Collection method: clinical testing. Allele origin: germline.
Comment: Variant summary: BCKDHA c.889C>T (p.Arg297Cys) results in a non-conservative amino acid change located in the Dehydrogenase, E1 component (IPR001017) of the encoded protein sequence. Five of five in-silico tools predict a damaging effect of the variant on protein function. The variant allele was found at a frequency of 2e-05 in 251450 control chromosomes (gnomAD). c.889C>T has been reported in the literature in individuals affected with Maple Syrup Urine Disease (examples: Rodriguez-Pombo_2006 and Cheng_2017). These data indicate that the variant may be associated with disease. To our knowledge, no experimental evidence demonstrating an impact on protein function has been reported. The following publications have been ascertained in the context of this evaluation (PMID: 28830848, 16786533). Three submitters have cited clinical-significance assessments for this variant to ClinVar after 2014 and classified the variant as VUS (n=1) and pathogenic/likely pathogenic (n=2). Based on the evidence outlined above, the variant was classified as VUS-possibly pathogenic.

Genome-Nilou Lab
Classification: Likely pathogenic for Maple syrup urine disease type 1A. Last evaluated: 2021-11-07. Review status: criteria provided, single submitter. Criteria: ACMG Guidelines, 2015. Collection method: clinical testing. Allele origin: germline. Affected: no.

Counsyl
Classification: Uncertain significance for Maple syrup urine disease type 1A. Last evaluated: 2017-12-06. Review status: no assertion criteria provided. Collection method: clinical testing. Allele origin: unknown. Not counted in ClinVar's aggregate classification.

Literature cited by the submitters: PubMed 16786533 (cited by 4 submitters); PubMed 28830848 (cited by 4 submitters); PubMed 10745006 (cited by Labcorp Genetics (formerly Invitae), Labcorp); PubMed 17922217 (cited by Labcorp Genetics (formerly Invitae), Labcorp); PubMed 29306928 (cited by Labcorp Genetics (formerly Invitae), Labcorp).